The following is an entry in ClinVar:

ClinVar aggregate classification (germline): Likely benign (1 of 4 stars; one submission).

Allele frequency attached by ClinVar (database versions not stated): ExAC 0.00003; gnomAD 0.00003; TOPMed 0.00003.
gnomAD v4.1: 42 of 1,614,096 alleles (0.0026%); highest among the groups gnomAD compares: Non-Finnish European, 0.0034%; no homozygotes.

Submission:

CeGaT Center for Human Genetics Tuebingen
Classification: Likely benign. Last evaluated: 2022-08-01. Review status: criteria provided, single submitter. Criteria: CeGaT Center For Human Genetics Tuebingen Variant Classification Criteria Version 2. Collection method: clinical testing. Allele origin: germline. Affected: yes. Observed: 1 variant allele.
Comment: GJA8: BP4, BP7

NM_005267.5(GJA8):c.183C>T (p.Cys61=)

Gene: GJA8 (gap junction protein alpha 8; plus strand). Cytogenetic location: 1q21.2.
Variant type: single nucleotide variant.
Coding change: c.183C>T on transcript NM_005267.5 (MANE Select); coding-DNA position 183, C replaced by T.
Protein change: p.Cys61=; no amino-acid change (cysteine 61 retained).
Molecular consequence: synonymous variant.
Genome position (GRCh38, 1-based): chr1:147,908,138, C>T. VCF-style: chr1-147908138-C-T. GRCh37 (hg19) VCF-style: chr1-147380265-C-T.
Identifiers: ClinVar variation 292463 (VCV000292463.29), dbSNP rs782213276, ClinGen allele CA1065884.